The following is an entry in ClinVar:

ClinVar aggregate classification (germline): Uncertain significance (1 of 4 stars; one submission).

Allele frequency attached by ClinVar (database versions not stated): gnomAD 0.00001; gnomAD exomes 0.00001 and 0.00002; ExAC 0.00002.
gnomAD v4.1: 12 of 1,614,030 alleles (0.00074%); highest among the groups gnomAD compares: Non-Finnish European, 0.00034%; no homozygotes.

Submission:

Labcorp Genetics (formerly Invitae), Labcorp
Classification: Uncertain significance. Last evaluated: 2021-08-22. Review status: criteria provided, single submitter. Criteria: Invitae Variant Classification Sherloc (09022015). Collection method: clinical testing. Allele origin: germline.
Comment: In summary, the available evidence is currently insufficient to determine the role of this variant in disease. Therefore, it has been classified as a Variant of Uncertain Significance. Advanced modeling of protein sequence and biophysical properties (such as structural, functional, and spatial information, amino acid conservation, physicochemical variation, residue mobility, and thermodynamic stability) performed at Invitae indicates that this missense variant is not expected to disrupt LRP2 protein function. This variant has not been reported in the literature in individuals affected with LRP2-related conditions. This variant is present in population databases (rs767391648, ExAC 0.02%). This sequence change replaces proline with serine at codon 2313 of the LRP2 protein (p.Pro2313Ser). The proline residue is highly conserved and there is a moderate physicochemical difference between proline and serine.

NM_004525.3(LRP2):c.6937C>T (p.Pro2313Ser)

Gene: LRP2 (LDL receptor related protein 2; minus strand). Cytogenetic location: 2q31.1.
Variant type: single nucleotide variant.
Coding change: c.6937C>T on transcript NM_004525.3 (MANE Select); coding-DNA position 6937, C replaced by T.
Protein change: p.Pro2313Ser; replaces proline 2313 with serine.
Molecular consequence: missense variant.
Genome position (GRCh38, 1-based): chr2:169,206,783, G>A on the plus strand (C>T on the coding strand, the complement: LRP2 is on the minus strand). VCF-style: chr2-169206783-G-A. GRCh37 (hg19) VCF-style: chr2-170063293-G-A.
Other names: short protein forms P2313S.
Identifiers: ClinVar variation 1483788 (VCV001483788.6), dbSNP rs767391648, ClinGen allele CA1954196.